The following continues an entry in ClinVar:

NM_000051.4(ATM):c.5644C>T (p.Arg1882Ter)

Gene: ATM. ClinVar aggregate classification (germline): Pathogenic/Likely pathogenic. Pathogenic (17); Likely pathogenic (1).

Submissions 11 to 20 of 20:

Women's Health and Genetics/Laboratory Corporation of America, LabCorp
Classification: Pathogenic for Ataxia-telangiectasia syndrome. Last evaluated: 2023-06-29. Review status: criteria provided, single submitter. Criteria: LabCorp Variant Classification Summary - May 2015. Collection method: clinical testing. Allele origin: germline.
Comment: Variant summary: ATM c.5644C>T (p.Arg1882X) results in a premature termination codon, predicted to cause a truncation of the encoded protein or absence of the protein due to nonsense mediated decay, which are commonly known mechanisms for disease. The variant was absent in 250786 control chromosomes (gnomAD v2.1, Exomes dataset). c.5644C>T has been reported in the literature in multiple individuals affected with Ataxia-Telangiectasia and breast cancer (e.g., Jeddane_2012, deSouzaTimoteo_2018). These data indicate that the variant is very likely to be associated with disease. The following publications have been ascertained in the context of this evaluation (PMID: 23322442, 30159786). Nine submitters have reported clinical-significance assessments for this variant to ClinVar after 2014. All submitters classified the variant as pathogenic. Based on the evidence outlined above, the variant was classified as pathogenic.

GeneDx
Classification: Pathogenic. Last evaluated: 2023-01-06. Review status: criteria provided, single submitter. Criteria: GeneDx Variant Classification Process June 2021. Collection method: clinical testing. Allele origin: germline. Affected: yes.
Comment: Nonsense variant predicted to result in protein truncation or nonsense mediated decay in a gene for which loss-of-function is a known mechanism of disease; Not observed at significant frequency in large population cohorts (gnomAD); Truncating variants in this gene are considered pathogenic by a well-established clinical consortium and/or database; This variant is associated with the following publications: (PMID: 23322442, 21445571, 15039971, 25525159, 21665257, 25625042, 15390180, 25624042, 12552559, 12815592, 29665859, 27664052, 28779002, 30159786, 30549301, 30716324, 30303537, 30901876, 32255556, 35245693, 36547201, 36119527, 35734982)

Laboratory for Molecular Medicine, Mass General Brigham Personalized Medicine
Classification: Pathogenic for Ataxia-telangiectasia syndrome. Last evaluated: 2022-11-03. Review status: criteria provided, single submitter. Criteria: ACMG Guidelines, 2015. Collection method: clinical testing. Allele origin: germline.
Comment: The p.Arg1882X variant in ATM has been reported both in the homozygous state and in the compound heterozygous state with a second ATM pathogenic variant in several individuals with ataxia-telangiectasia (selected references Buzin 2003 PMID: 12552559, Mitui 2003 PMID: 12815592, Coutinho 2004 PMID: 15039971, Micol 2011 PMID: 21665257, Jeddane 2013 PMID: 23322442) and has been reported in ClinVar (Variation ID 188737). It has been identified in 1/15272 Latino chromosomes by gnomAD. This nonsense variant leads to a premature termination codon at position 1882, which is predicted to lead to a truncated or absent protein. Loss of function of the ATM gene is an established disease mechanism in autosomal recessive ataxia telangiectasia. In summary, this variant meets criteria to be classified as pathogenic for autosomal recessive ataxia telangiectasia. ACMG/AMP Criteria applied: PM2_supporting, PVS1, PM3_Strong.

Laboratorio de Genetica e Diagnostico Molecular, Hospital Israelita Albert Einstein
Classification: Pathogenic for Familial cancer of breast. Last evaluated: 2022-09-23. Review status: criteria provided, single submitter. Criteria: ACMG Guidelines, 2015. Collection method: clinical testing. Allele origin: germline. Affected: yes. Observed: 1 variant allele.
Comment: ACMG classification criteria: PVS1 very strong, PS4 strong, PM2 moderated, PM3 very strong

Blueprint Genetics
Classification: Pathogenic for ATM-related disorders. Last evaluated: 2021-08-02. Review status: criteria provided, single submitter. Criteria: ACMG Guidelines, 2015. Collection method: clinical testing. Allele origin: germline. Affected: yes. Observed: 3 variant alleles.

CeGaT Center for Human Genetics Tuebingen
Classification: Pathogenic. Last evaluated: 2018-06-01. Review status: criteria provided, single submitter. Criteria: CeGaT Center For Human Genetics Tuebingen Variant Classification Criteria Version 2. Collection method: clinical testing. Allele origin: germline. Affected: yes. Observed: 1 variant allele.

Genesis Genomics
Classification: Pathogenic for Familial cancer of breast. Review status: criteria provided, single submitter. Criteria: ACMG Guidelines, 2015. Collection method: clinical testing. Allele origin: germline. Affected: yes. Observed: 1 variant allele.

Juno Genomics, Hangzhou Juno Genomics, Inc
Classification: Pathogenic for Familial cancer of breast; Ataxia-telangiectasia syndrome. Review status: criteria provided, single submitter. Criteria: ACMG Guidelines, 2015. Collection method: clinical testing. Allele origin: germline. Affected: yes.
Comment: Absent from controls (or at extremely low frequency if recessive) in Genome Aggregation Database, Exome Sequencing Project, 1000 Genomes Project, or Exome Aggregation Consortium.;Null variant in a gene where loss of function (LOF) is a known mechanism of disease.;For recessive disorders, detected in trans with a pathogenic variant.

Laboratory for Genotyping Development, RIKEN
Classification: Pathogenic for Gastric cancer. Last evaluated: 2021-07-01. Review status: no assertion criteria provided. Collection method: research. Allele origin: germline. Not counted in ClinVar's aggregate classification.

Counsyl
Classification: Likely pathogenic for Ataxia-telangiectasia syndrome. Last evaluated: 2014-03-27. Review status: no assertion criteria provided. Collection method: literature only. Allele origin: unknown. Inheritance: Autosomal recessive inheritance. Not counted in ClinVar's aggregate classification.

Literature cited by the submitters: PubMed 12552559 (cited by 6 submitters); PubMed 12815592 (cited by 4 submitters); PubMed 15039971 (cited by 4 submitters); PubMed 21665257 (cited by 4 submitters); PubMed 23322442 (cited by 7 submitters); PubMed 23807571 (cited by Labcorp Genetics (formerly Invitae), Labcorp); PubMed 25614872 (cited by Labcorp Genetics (formerly Invitae), Labcorp); PubMed 25625042 (cited by 3 submitters); PubMed 21445571 (cited by Ambry Genetics and Counsyl); PubMed 37239058 (cited by Color Diagnostics, LLC DBA Color Health); PubMed 30159786 (cited by Women's Health and Genetics/Laboratory Corporation of America, LabCorp); PubMed 36988593 (cited by Laboratory for Genotyping Development, RIKEN).